The following is an entry in ClinVar:

NM_000426.4(LAMA2):c.1720_1721insAGTCCACCTCAGG (p.Ala574fs)

Gene: LAMA2 (laminin subunit alpha 2; plus strand). Cytogenetic location: 6q22.33.
Variant type: Insertion.
Coding change: c.1720_1721insAGTCCACCTCAGG on transcript NM_000426.4 (MANE Select); coding-DNA positions 1720 to 1721, AGTCCACCTCAGG inserted.
Protein change: p.Ala574fs; shifts the reading frame from alanine 574.
Molecular consequence: frameshift variant.
Genome position: GRCh38 VCF-style: chr6-129192788-G-GAGGAGTCCACCTC. GRCh37 (hg19) VCF-style: chr6-129513933-G-GAGGAGTCCACCTC.
Other names: c.1720_1721insAGTCCACCTCAGG, p.Ala574fs (NM_001079823.2); short protein forms A574fs.
Identifiers: ClinVar variation 5011639 (VCV005011639.1).

ClinVar aggregate classification (germline): Pathogenic (1 of 4 stars; one submission).

Conditions:
LAMA2-related muscular dystrophy (LAMA2-RD). Also called: Laminin alpha 2-related dystrophy. Identifiers: MedGen C5679788, MONDO:0100228.

Submission:

Myriad Genetics, Inc.
Classification: Pathogenic for LAMA2-related muscular dystrophy. Last evaluated: 2023-09-10. Review status: criteria provided, single submitter. Criteria: Myriad Autosomal Dominant, Autosomal Recessive and X-Linked Classification Criteria (2023). Collection method: clinical testing. Allele origin: unknown.
Comment: NM_000426.3(LAMA2):c.1720_1721ins13(A574Efs*40) is expected to be pathogenic in the context of muscular dystrophy, LAMA2-related. This variant is predicted to lead to an abnormal or absent protein product due to the creation of a premature termination codon in LAMA2, a gene where loss-of-function variants are known to be pathogenic. Please note: this variant was assessed in the context of healthy population screening.